The following is an entry in ClinVar:

NM_001267550.2(TTN):c.102150del (p.Asp34051fs)

Genes: TTN-AS1 (TTN antisense RNA 1; plus strand), TTN (titin; minus strand). Cytogenetic location: 2q31.2.
Variant type: Deletion.
Coding change: c.102150del on transcript NM_001267550.2 (MANE Select); coding-DNA position 102150, one base deleted (T; older notation c.102150delT).
Protein change: p.Asp34051fs; shifts the reading frame from aspartic acid 34051.
Molecular consequence: frameshift variant.
Genome position (GRCh38, 1-based): chr2:178,534,465, A deleted on the plus strand (T on the coding strand, the reverse complement: TTN is on the minus strand); the first of 2 consecutive A bases (chr2:178,534,465-178,534,466); deleting either gives the same sequence. VCF-style (leftmost placement, unchanged base first): chr2-178534464-CA-C. GRCh37 (hg19) VCF-style: chr2-179399191-CA-C.
Other names: c.97227del, p.Asp32410fs (NM_001256850.1); c.74955del, p.Asp24986fs (NM_003319.4); c.94446del, p.Asp31483fs (NM_133378.4); c.75330del, p.Asp25111fs (NM_133432.3); c.75531del, p.Asp25178fs (NM_133437.4); c.97227delT (NM_001256850.1); short protein forms D24986fs, D25111fs, D25178fs, D32410fs, D31483fs, D34051fs.
Identifiers: ClinVar variation 202499 (VCV000202499.1), dbSNP rs794729368, ClinGen allele CA309462.

ClinVar aggregate classification (germline): Uncertain significance (1 of 4 stars; one submission).

Submission:

GeneDx
Classification: Uncertain significance. Last evaluated: 2014-08-28. Review status: criteria provided, single submitter. Criteria: GeneDx Variant Classification (06012015). Collection method: clinical testing. Allele origin: germline. Affected: yes.
Comment: c.97227delT: p.Asp32410ThrfsX4 (D32410TfsX4) in exon 308 of the TTN gene (NM_001256850.1). The normal sequence with the bases that are deleted in braces is: (TTGT[T]GACC). Truncating mutations in the TTN gene are expected to account for approximately 25% of familial and 18% of sporadic idiopathic DCM (Herman D et al., 2012). However, truncating variants in the TTN gene have been reported in approximately 3% of reported control alleles (Herman D et al., 2012). TTN mutations may also be associated with congenital cardiac and skeletal myopathies, hereditary myopathy with early respiratory failure, tibial muscular dystrophy, and limb-girdle muscular dystrophy (Lange S et al., 2005; Hackman P et al., 2002; Carmignac V et al., 2007; Hackman P et al., 2008). Although the c.97227delT variant in the TTN gene has not been reported to our knowledge, this variant causes a shift in reading frame starting at codon Aspartic acid 32410, changing it to a Threonine, and creating a premature stop codon at position 4 of the new reading frame, denoted p.Asp32410ThrfsX4. This variant is expected to result in either an abnormal, truncated protein product or loss of protein from this allele through nonsense-mediated mRNA decay. However, this variant is not located in the A-band region of the titin, where the majority of truncating mutations associated with DCM have been reported (Herman D et al., 2012). Therefore, based on the currently available information, it is unclear whether this variant is a pathogenic mutation or a rare benign variant. The variant is found in CARDIOMYOPATHY panel(s).